The following is an entry in ClinVar:

NM_001130144.3(LTBP3):c.1412C>T (p.Thr471Ile)

Gene: LTBP3 (latent transforming growth factor beta binding protein 3; minus strand). Cytogenetic location: 11q13.1.
Variant type: single nucleotide variant.
Coding change: c.1412C>T on transcript NM_001130144.3 (MANE Select); coding-DNA position 1412, C replaced by T.
Protein change: p.Thr471Ile; replaces threonine 471 with isoleucine.
Molecular consequence: missense variant.
Genome position (GRCh38, 1-based): chr11:65,552,091, G>A on the plus strand (C>T on the coding strand, the complement: LTBP3 is on the minus strand). VCF-style: chr11-65552091-G-A. GRCh37 (hg19) VCF-style: chr11-65319562-G-A.
Other names: c.1061C>T, p.Thr354Ile (NM_001164266.1); c.1412C>T, p.Thr471Ile (NM_021070.4); short protein forms T354I, T471I.
Identifiers: ClinVar variation 1518639 (VCV001518639.6), dbSNP rs2135153763, ClinGen allele CA381273424.

ClinVar aggregate classification (germline): Uncertain significance (1 of 4 stars; one submission).

Conditions:
Brachyolmia-amelogenesis imperfecta syndrome. Also called: PLATYSPONDYLY WITH AMELOGENESIS IMPERFECTA; Tooth agenesis, selective, 6; Dental anomalies and short stature. Identifiers: Orphanet 2899, MedGen C1832594, MONDO:0011018, OMIM 601216. Disease mechanism: loss of function.

Submission:

Labcorp Genetics (formerly Invitae), Labcorp
Classification: Uncertain significance for Brachyolmia-amelogenesis imperfecta syndrome. Last evaluated: 2021-11-27. Review status: criteria provided, single submitter. Criteria: Invitae Variant Classification Sherloc (09022015). Collection method: clinical testing. Allele origin: germline.
Comment: This sequence change replaces threonine, which is neutral and polar, with isoleucine, which is neutral and non-polar, at codon 471 of the LTBP3 protein (p.Thr471Ile). This variant is not present in population databases (gnomAD no frequency). This variant has not been reported in the literature in individuals affected with LTBP3-related conditions. Algorithms developed to predict the effect of missense changes on protein structure and function are either unavailable or do not agree on the potential impact of this missense change (SIFT: "Deleterious"; PolyPhen-2: "Possibly Damaging"; Align-GVGD: "Class C0"). In summary, the available evidence is currently insufficient to determine the role of this variant in disease. Therefore, it has been classified as a Variant of Uncertain Significance.